The following is an entry in ClinVar:

ClinVar aggregate classification (germline): Likely benign. Review status: criteria provided, multiple submitters, no conflicts (2 of 4 stars). 3 submissions from 3 submitters: Likely benign (2). 1 of the submissions does not count toward it. Last evaluated 2025-12-05.

Conditions:
Inborn genetic diseases. Identifiers: MedGen C0950123, MeSH D030342.

Allele frequency attached by ClinVar (database versions not stated): ExAC 0.00003; gnomAD 0.00003 and 0.00004; gnomAD exomes 0.00003; TOPMed 0.00006; ESP Exome Variant Server 0.00008.
gnomAD v4.1: 89 of 1,606,284 alleles (0.0055%); highest among the groups gnomAD compares: Non-Finnish European, 0.0071%; no homozygotes.

Submissions (3):

Labcorp Genetics (formerly Invitae), Labcorp
Classification: Likely benign. Last evaluated: 2025-12-05. Review status: criteria provided, single submitter. Criteria: Invitae Variant Classification Sherloc (09022015). Collection method: clinical testing. Allele origin: germline.

Ambry Genetics
Classification: Likely benign for Inborn genetic diseases. Last evaluated: 2022-03-16. Review status: criteria provided, single submitter. Criteria: Ambry Variant Classification Scheme 2023. Collection method: clinical testing. Allele origin: germline.

Department of Pathology and Laboratory Medicine, Sinai Health System
Classification: Uncertain significance. Review status: no assertion criteria provided. Collection method: clinical testing. Allele origin: unknown. Affected: yes. Study: The Canadian Open Genetics Repository (COGR). Not counted in ClinVar's aggregate classification.
Comment: The CHD8 p.Asp1870Asn variant was not identified in the literature nor was it identified in ClinVar or LOVD 3.0. The variant was identified in dbSNP (ID: rs376095447) and in control databases in 10 of 276146 chromosomes at a frequency of 0.00003621 (Genome Aggregation Database March 6, 2019, v2.1.1). The variant was observed in the following populations: African in 2 of 24150 chromosomes (freq: 0.000083) and European (non-Finnish) in 8 of 126604 chromosomes (freq: 0.000063), but was not observed in the Latino, Ashkenazi Jewish, East Asian, European (Finnish), Other, or South Asian populations. The p.Asp1870 residue is conserved in mammals but not in more distantly related organisms however four out of five computational analyses (PolyPhen-2, SIFT, AlignGVGD, BLOSUM, MutationTaster) do not suggest a high likelihood of impact to the protein; this information is not predictive enough to rule out pathogenicity. The variant occurs outside of the splicing consensus sequence and in silico or computational prediction software programs (SpliceSiteFinder, MaxEntScan, NNSPLICE, GeneSplicer) do not predict a difference in splicing. In summary, based on the above information the clinical significance of this variant cannot be determined with certainty at this time. This variant is classified as a variant of uncertain significance.

NM_001170629.2(CHD8):c.5608G>A (p.Asp1870Asn)

Gene: CHD8 (chromodomain helicase DNA binding protein 8; minus strand). Cytogenetic location: 14q11.2.
Variant type: single nucleotide variant.
Coding change: c.5608G>A on transcript NM_001170629.2 (MANE Select); coding-DNA position 5608, G replaced by A.
Protein change: p.Asp1870Asn; replaces aspartic acid 1870 with asparagine.
Molecular consequence: missense variant.
Genome position (GRCh38, 1-based): chr14:21,394,187, C>T on the plus strand (G>A on the coding strand, the complement: CHD8 is on the minus strand). VCF-style: chr14-21394187-C-T. GRCh37 (hg19) VCF-style: chr14-21862346-C-T.
Other names: c.4771G>A, p.Asp1591Asn (NM_020920.4); short protein forms D1591N, D1870N.
Identifiers: ClinVar variation 1049628 (VCV001049628.8), dbSNP rs376095447, ClinGen allele CA7090920.